The following is an entry in ClinVar:

NM_206933.4(USH2A):c.15139A>G (p.Met5047Val)

Gene: USH2A (usherin; minus strand). Cytogenetic location: 1q41.
Variant type: single nucleotide variant.
Coding change: c.15139A>G on transcript NM_206933.4 (MANE Select); coding-DNA position 15139, A replaced by G.
Protein change: p.Met5047Val; replaces methionine 5047 with valine.
Molecular consequence: missense variant.
Genome position (GRCh38, 1-based): chr1:215,634,617, T>C on the plus strand (A>G on the coding strand, the complement: USH2A is on the minus strand). VCF-style: chr1-215634617-T-C. GRCh37 (hg19) VCF-style: chr1-215807959-T-C.
Other names: short protein forms M5047V.
Identifiers: ClinVar variation 2123549 (VCV002123549.1), dbSNP rs773541511, ClinGen allele CA344824200.
Genomic context (GRCh38, chr1:215,634,617, plus strand): 5'-TTTTTCTTTGTAGTATCAGGGACAGAAAAATGGCCAACAAGATCAAGCCCAGCATCGCCA[T>C]TAACACTATGAACCACAGCTCGCTGTAGAACTCTGTGCTTTTGCTCCGCGATCCCTTCTT-3'
Protein context (NP_996816.3, residues 5037-5057): FYSELWFIVL[Met5047Val]AMLGLILLAI

ClinVar aggregate classification (germline): Uncertain significance (1 of 4 stars; one submission).

Submission:

Labcorp Genetics (formerly Invitae), Labcorp
Classification: Uncertain significance. Last evaluated: 2022-04-09. Review status: criteria provided, single submitter. Criteria: Invitae Variant Classification Sherloc (09022015). Collection method: clinical testing. Allele origin: germline.
Comment: This sequence change replaces methionine, which is neutral and non-polar, with valine, which is neutral and non-polar, at codon 5047 of the USH2A protein (p.Met5047Val). This variant is not present in population databases (gnomAD no frequency). This variant has not been reported in the literature in individuals affected with USH2A-related conditions. Algorithms developed to predict the effect of missense changes on protein structure and function output the following: SIFT: "Tolerated"; PolyPhen-2: "Benign"; Align-GVGD: "Class C0". The valine amino acid residue is found in multiple mammalian species, which suggests that this missense change does not adversely affect protein function. In summary, the available evidence is currently insufficient to determine the role of this variant in disease. Therefore, it has been classified as a Variant of Uncertain Significance.